The following is an entry in ClinVar:

NM_021922.3(FANCE):c.1424A>G (p.Lys475Arg)

Gene: FANCE (FA complementation group E; plus strand). Cytogenetic location: 6p21.31.
Variant type: single nucleotide variant.
Coding change: c.1424A>G on transcript NM_021922.3 (MANE Select); coding-DNA position 1424, A replaced by G.
Protein change: p.Lys475Arg; replaces lysine 475 with arginine.
Molecular consequence: missense variant.
Genome position (GRCh38, 1-based): chr6:35,462,829, A>G. VCF-style: chr6-35462829-A-G. GRCh37 (hg19) VCF-style: chr6-35430606-A-G.
Other names: short protein forms K475R.
Identifiers: ClinVar variation 356453 (VCV000356453.11), dbSNP rs200083899, ClinGen allele CA3771712.

ClinVar aggregate classification (germline): Uncertain significance. Review status: criteria provided, multiple submitters, no conflicts (2 of 4 stars). 3 submissions from 3 submitters: Uncertain significance (3). Last evaluated 2022-09-24.

Conditions:
Fanconi anemia complementation group E (FANCE). Also called: FANCE-Related Fanconi Anemia. Identifiers: Orphanet 84, MedGen C3160739, MONDO:0010953, OMIM 600901.

Allele frequency attached by ClinVar (database versions not stated): ExAC 0.00004; gnomAD exomes 0.00006 and 0.00010; TOPMed 0.00006; gnomAD 0.00008.

Submissions (3):

Labcorp Genetics (formerly Invitae), Labcorp
Classification: Uncertain significance for Fanconi anemia complementation group E. Last evaluated: 2022-09-24. Review status: criteria provided, single submitter. Criteria: Invitae Variant Classification Sherloc (09022015). Collection method: clinical testing. Allele origin: germline.
Comment: This sequence change replaces lysine, which is basic and polar, with arginine, which is basic and polar, at codon 475 of the FANCE protein (p.Lys475Arg). This variant is present in population databases (rs200083899, gnomAD 0.2%). This variant has not been reported in the literature in individuals affected with FANCE-related conditions. ClinVar contains an entry for this variant (Variation ID: 356453). Advanced modeling of protein sequence and biophysical properties (such as structural, functional, and spatial information, amino acid conservation, physicochemical variation, residue mobility, and thermodynamic stability) performed at Invitae indicates that this missense variant is not expected to disrupt FANCE protein function. In summary, the available evidence is currently insufficient to determine the role of this variant in disease. Therefore, it has been classified as a Variant of Uncertain Significance.

Genetic Services Laboratory, University of Chicago
Classification: Uncertain significance. Last evaluated: 2019-05-22. Review status: criteria provided, single submitter. Criteria: ACMG Guidelines, 2015. Collection method: clinical testing. Allele origin: germline. Affected: no.

Illumina Laboratory Services, Illumina
Classification: Uncertain significance for Fanconi anemia complementation group E. Last evaluated: 2018-01-12. Review status: criteria provided, single submitter. Criteria: ICSL Variant Classification Criteria 13 December 2019. Collection method: clinical testing. Allele origin: germline.